The following is an entry in ClinVar:

ClinVar aggregate classification (germline): Uncertain significance (1 of 4 stars; one submission).

Conditions:
Hereditary cancer-predisposing syndrome. Also called: Neoplastic Syndromes, Hereditary; Tumor predisposition; Hereditary Cancer Syndrome; Hereditary neoplastic syndrome. Identifiers: Orphanet 140162, MedGen C0027672, MeSH D009386, MONDO:0015356.

Submission:

Ambry Genetics
Classification: Uncertain significance for Hereditary cancer-predisposing syndrome. Last evaluated: 2026-01-14. Review status: criteria provided, single submitter. Criteria: Ambry Variant Classification Scheme 2023. Collection method: clinical testing. Allele origin: germline.
Comment: The p.M1030K variant (also known as c.3089T>A), located in coding exon 22 of the MSH3 gene, results from a T to A substitution at nucleotide position 3089. The methionine at codon 1030 is replaced by lysine, an amino acid with similar properties. This amino acid position is conserved. In addition, this alteration is predicted to be deleterious by in silico analysis. Based on the available evidence, the clinical significance of this variant remains unclear.

NM_002439.5(MSH3):c.3089T>A (p.Met1030Lys)

Gene: MSH3 (mutS homolog 3; plus strand). Cytogenetic location: 5q14.1.
Variant type: single nucleotide variant.
Coding change: c.3089T>A on transcript NM_002439.5 (MANE Select); coding-DNA position 3089, T replaced by A.
Protein change: p.Met1030Lys; replaces methionine 1030 with lysine.
Molecular consequence: missense variant.
Genome position (GRCh38, 1-based): chr5:80,864,901, T>A. VCF-style: chr5-80864901-T-A. GRCh37 (hg19) VCF-style: chr5-80160720-T-A.
Other names: short protein forms M1030K.
Identifiers: ClinVar variation 4842847 (VCV004842847.1).
Genomic context (GRCh38, chr5:80,864,901, plus strand): 5'-ATTATCCGCCAGTTTGTGAACTAGAAAAAAATTACTCACACCAGGTGGGGAATTACCACA[T>A]GGGATTCTTGGTCAGTGAGGATGAAAGCAAACTGGATCCAGGTATGAAATATTCCTGCAG-3'
Protein context (NP_002430.3, residues 1020-1040): NYSHQVGNYH[Met1030Lys]GFLVSEDESK